The following is an entry in ClinVar:

NM_001267550.2(TTN):c.2967C>A (p.Phe989Leu)

Gene: TTN (titin; minus strand). Cytogenetic location: 2q31.2.
Variant type: single nucleotide variant.
Coding change: c.2967C>A on transcript NM_001267550.2 (MANE Select); coding-DNA position 2967, C replaced by A.
Protein change: p.Phe989Leu; replaces phenylalanine 989 with leucine.
Molecular consequence: missense variant.
Genome position (GRCh38, 1-based): chr2:178,782,939, G>T on the plus strand (C>A on the coding strand, the complement: TTN is on the minus strand). VCF-style: chr2-178782939-G-T. GRCh37 (hg19) VCF-style: chr2-179647666-G-T.
Other names: c.2967C>A (NM_001267550.1); c.2967C>A, p.Phe989Leu (NM_001256850.1, NM_133378.4, NM_133379.5); c.2829C>A, p.Phe943Leu (NM_003319.4, NM_133432.3, NM_133437.4); short protein forms F989L, F943L.
Identifiers: ClinVar variation 535063 (VCV000535063.6), dbSNP rs376548316, ClinGen allele CA2005674.

ClinVar aggregate classification (germline): Conflicting classifications of pathogenicity. Review status: criteria provided, conflicting classifications (1 of 4 stars). 3 submissions from 3 submitters: Uncertain significance (2); Likely benign (1). Last evaluated 2024-03-14.

Conditions:
Autosomal recessive limb-girdle muscular dystrophy type 2J (LGMDR10). Also called: Limb-girdle muscular dystrophy, type 2J; MUSCULAR DYSTROPHY, LIMB-GIRDLE, AUTOSOMAL RECESSIVE 10. Identifiers: Orphanet 140922, MedGen C1837342, MONDO:0012127, OMIM 608807.
Dilated cardiomyopathy 1G (CMD1G). Identifiers: Orphanet 154, MedGen C1858763, MONDO:0011400, OMIM 604145.
Cardiovascular phenotype. Identifiers: MedGen CN230736.

Allele frequency attached by ClinVar (database versions not stated): TOPMed below 0.00001; gnomAD 0.00001; gnomAD exomes 0.00006; ExAC 0.00009; ESP Exome Variant Server 0.00015.
gnomAD v4.1: 139 of 1,614,046 alleles (0.0086%); highest among the groups gnomAD compares: Non-Finnish European, 0.012%; 1 homozygote.

Submissions (3):

Athena Diagnostics
Classification: Uncertain significance. Last evaluated: 2024-03-14. Review status: criteria provided, single submitter. Criteria: Athena Diagnostics Criteria. Collection method: clinical testing. Allele origin: unknown.
Comment: Available data are insufficient to determine the clinical significance of the variant at this time. The frequency of this variant in the general population is uninformative in assessment of its pathogenicity. Computational tools disagree on the variant's effect on normal protein function.

Ambry Genetics
Classification: Likely benign for Cardiovascular phenotype. Last evaluated: 2020-08-11. Review status: criteria provided, single submitter. Criteria: Ambry Variant Classification Scheme 2023. Collection method: clinical testing. Allele origin: germline.

Labcorp Genetics (formerly Invitae), Labcorp
Classification: Uncertain significance for Dilated cardiomyopathy 1G; Autosomal recessive limb-girdle muscular dystrophy type 2J. Last evaluated: 2017-09-15. Review status: criteria provided, single submitter. Criteria: Invitae Variant Classification Sherloc (09022015). Collection method: clinical testing. Allele origin: germline.